The following is an entry in ClinVar:

NM_001276345.2(TNNT2):c.503G>A (p.Arg168Gln)

Gene: TNNT2 (troponin T2, cardiac type; minus strand). Cytogenetic location: 1q32.1.
Variant type: single nucleotide variant.
Coding change: c.503G>A on transcript NM_001276345.2 (MANE Select); coding-DNA position 503, G replaced by A.
Protein change: p.Arg168Gln; replaces arginine 168 with glutamine.
Molecular consequence: missense variant.
Genome position (GRCh38, 1-based): chr1:201,363,393, C>T on the plus strand (G>A on the coding strand, the complement: TNNT2 is on the minus strand). VCF-style: chr1-201363393-C-T. GRCh37 (hg19) VCF-style: chr1-201332521-C-T.
Other names: c.503G>A, p.Arg168Gln (NM_000364.4); c.473G>A, p.Arg158Gln (NM_001001430.3, NM_001001431.3, NM_001276347.2); c.458G>A, p.Arg153Gln (NM_001001432.3); c.383G>A, p.Arg128Gln (NM_001276346.2); short protein forms R158Q, R168Q, R128Q, R153Q.
Identifiers: ClinVar variation 43645 (VCV000043645.14), dbSNP rs397516468, ClinGen allele CA004625.
Genomic context (GRCh38, chr1:201,363,393, plus strand): 5'-AAAGCCTTCTTCTTCCGGGCCTCATCCTCAGCCTTCCTCCTGTTCTCCTCCTCCTCTCGT[C>T]GAGCCCTCTCTTCCTGATTTACAGCAGGGAGGAAGAAAGCAAATTAGGGGAAAGGATTGG-3'
Protein context (NP_001263274.1, residues 158-178): RQNRLAEERA[Arg168Gln]REEEENRRKA

ClinVar aggregate classification (germline): Uncertain significance. Review status: criteria provided, multiple submitters, no conflicts (2 of 4 stars). 5 submissions from 5 submitters: Uncertain significance (4). 1 of the submissions does not count toward it. Last evaluated 2025-10-04.

Conditions:
Cardiovascular phenotype. Identifiers: MedGen CN230736.
Hypertrophic cardiomyopathy 2. Also called: TNNT2-Related Familial Hypertrophic Cardiomyopathy. Identifiers: MedGen C1861864, MONDO:0007266, OMIM 115195.
Cardiomyopathy, familial restrictive, 3. Identifiers: Orphanet 75249, MedGen C2676271, MONDO:0012900, OMIM 612422.
Dilated cardiomyopathy 1D. Identifiers: Orphanet 154, Orphanet 54260, MedGen C1832243, MONDO:0011095, OMIM 601494.
Cardiomyopathy (CMYO). Also called: Cardiomyopathies. Identifiers: Orphanet 167848, MedGen C0878544, MONDO:0004994, HP:0001638. Inheritance: Various modes of inheritance.

Allele frequency attached by ClinVar (database versions not stated): gnomAD below 0.00001 and 0.00001; gnomAD exomes below 0.00001.

Submissions (5):

Labcorp Genetics (formerly Invitae), Labcorp
Classification: Uncertain significance for Cardiomyopathy, familial restrictive, 3; Hypertrophic cardiomyopathy 2; Dilated cardiomyopathy 1D. Last evaluated: 2025-10-04. Review status: criteria provided, single submitter. Criteria: Invitae Variant Classification Sherloc (09022015). Collection method: clinical testing. Allele origin: germline.
Comment: This sequence change replaces arginine, which is basic and polar, with glutamine, which is neutral and polar, at codon 158 of the TNNT2 protein (p.Arg158Gln). This variant is not present in population databases (gnomAD no frequency). This missense change has been observed in individual(s) with clinical features of TNNT2-related conditions (PMID: 34036930). This variant is also known as c.503G>A p.Arg168Gln. ClinVar contains an entry for this variant (Variation ID: 43645). Invitae Evidence Modeling of protein sequence and biophysical properties (such as structural, functional, and spatial information, amino acid conservation, physicochemical variation, residue mobility, and thermodynamic stability) has been performed for this missense variant. However, the output from this modeling did not meet the statistical confidence thresholds required to predict the impact of this variant on TNNT2 protein function. This variant disrupts the p.Arg158 amino acid residue in TNNT2. Other variant(s) that disrupt this residue have been determined to be pathogenic (PMID: 23283745, 31514951, 36396199). This suggests that this residue is clinically significant, and that variants that disrupt this residue are likely to be disease-causing. In summary, the available evidence is currently insufficient to determine the role of this variant in disease. Therefore, it has been classified as a Variant of Uncertain Significance.

Color Diagnostics, LLC DBA Color Health
Classification: Uncertain significance for Cardiomyopathy. Last evaluated: 2025-07-03. Review status: criteria provided, single submitter. Criteria: ACMG Guidelines, 2015. Collection method: clinical testing. Allele origin: germline.
Comment: This missense variant replaces arginine with glutamine at codon 158 of the TNNT2 protein. Computational prediction is inconclusive regarding the impact of this variant on protein structure and function. To our knowledge, functional studies have not been reported for this variant. This variant has been reported in an individual affected with cardiomyopathy or arrhythmia (PMID: 33954932). This variant has not been identified in the general population by the Genome Aggregation Database (gnomAD). The available evidence is insufficient to determine the role of this variant in disease conclusively. Therefore, this variant is classified as a Variant of Uncertain Significance.

GeneDx
Classification: Uncertain significance. Last evaluated: 2025-03-21. Review status: criteria provided, single submitter. Criteria: GeneDx Variant Classification Process June 2021. Collection method: clinical testing. Allele origin: germline. Affected: yes.
Comment: Identified in a patient with DCM in published literature (PMID: 34036930); Not observed at significant frequency in large population cohorts (gnomAD); In silico analysis supports that this missense variant has a deleterious effect on protein structure/function; Also known as p.(Arg168Gln); This variant is associated with the following publications: (PMID: 34036930)

Ambry Genetics
Classification: Uncertain significance for Cardiovascular phenotype. Last evaluated: 2022-01-05. Review status: criteria provided, single submitter. Criteria: Ambry Variant Classification Scheme 2023. Collection method: clinical testing. Allele origin: germline.

Laboratory for Molecular Medicine, Mass General Brigham Personalized Medicine
Classification: Uncertain significance. Last evaluated: 2008-03-01. Review status: no assertion criteria provided. Collection method: clinical testing. Allele origin: germline. Observed: 1 variant allele. Not counted in ClinVar's aggregate classification.

Literature cited by the submitters: PubMed 34036930 (cited by Labcorp Genetics (formerly Invitae), Labcorp); PubMed 23283745 (cited by Labcorp Genetics (formerly Invitae), Labcorp); PubMed 31514951 (cited by Labcorp Genetics (formerly Invitae), Labcorp); PubMed 36396199 (cited by Labcorp Genetics (formerly Invitae), Labcorp); PubMed 33954932 (cited by Color Diagnostics, LLC DBA Color Health).